The following is an entry in ClinVar:

ClinVar aggregate classification (germline): Pathogenic. Review status: criteria provided, multiple submitters, no conflicts (2 of 4 stars). 2 submissions from 2 submitters: Pathogenic (2). Last evaluated 2020-10-26.

Conditions:
Familial X-linked hypophosphatemic vitamin D refractory rickets (XLHRD). Also called: X-Linked Hypophosphatemia; Hypophosphatemic Rickets, X-Linked Dominant; HYPOPHOSPHATEMIC VITAMIN D-RESISTANT RICKETS; Hypophosphatemia, vitamin D-resistant rickets; Vitamin D-resistant rickets, X-linked. Identifiers: Orphanet 89936, MedGen C0733682, MONDO:0010619, OMIM 307800.

Submissions (2):

Molecular Genetics, Royal Melbourne Hospital
Classification: Pathogenic for Familial X-linked hypophosphatemic vitamin D refractory rickets. Last evaluated: 2020-10-26. Review status: criteria provided, single submitter. Criteria: ACMG Guidelines, 2015. Collection method: clinical testing. Allele origin: germline. Affected: yes.
Comment: This sequence change is a deletion of 1 bp in exon 12 (of 22) of PHEX that is predicted to create a premature termination codon at position 450 (p.(Leu438Trpfs*13)). It is anticipated to result in nonsense mediated decay, and loss of function is a well-established mechanism of disease for this gene (ClinVar). The variant is absent in a large population cohort ( gnomAD v2.1 and v3.0). The variant has been observed in at least two individuals with clinical features of hypophosphataemic rickets (Royal Melbourne Hospital, Invitae - ClinVar ID: 948580). Based on the classification scheme RMH ACMG Guidelines v1.2.1, this variant is classified as PATHOGENIC. Following criteria are met: PVS1, PM2, PS4_Supporting.

Labcorp Genetics (formerly Invitae), Labcorp
Classification: Pathogenic. Last evaluated: 2019-06-12. Review status: criteria provided, single submitter. Criteria: Invitae Variant Classification Sherloc (09022015). Collection method: clinical testing. Allele origin: germline.
Comment: This variant is not present in population databases (ExAC no frequency). For these reasons, this variant has been classified as Pathogenic. Loss-of-function variants in PHEX are known to be pathogenic (PMID: 9097956, 9106524, 19219621). This sequence change creates a premature translational stop signal (p.Leu438Trpfs*13) in the PHEX gene. It is expected to result in an absent or disrupted protein product.

Literature cited by the submitters: PubMed 9097956 (cited by Labcorp Genetics (formerly Invitae), Labcorp); PubMed 9106524 (cited by Labcorp Genetics (formerly Invitae), Labcorp); PubMed 19219621 (cited by Labcorp Genetics (formerly Invitae), Labcorp).

NM_000444.6(PHEX):c.1313del (p.Leu438fs)

Gene: PHEX (phosphate regulating endopeptidase X-linked; plus strand). Cytogenetic location: Xp22.11.
Variant type: Deletion.
Coding change: c.1313del on transcript NM_000444.6 (MANE Select); coding-DNA position 1313, one base deleted (T; older notation c.1313delT).
Protein change: p.Leu438fs; shifts the reading frame from leucine 438.
Molecular consequence: frameshift variant.
Genome position (GRCh38, 1-based): chrX:22,133,533, T deleted; the last of 2 consecutive T bases (chrX:22,133,532-22,133,533); deleting either gives the same sequence. VCF-style (leftmost placement, unchanged base first): chrX-22133531-AT-A. GRCh37 (hg19) VCF-style: chrX-22151648-AT-A.
Other names: c.1313del, p.Leu438fs (NM_001282754.2); c.1313delT (NM_000444.6); short protein forms L438fs.
Identifiers: ClinVar variation 948580 (VCV000948580.11), dbSNP rs1932102521, ClinGen allele CA1139532498.